The following is an entry in ClinVar:

ClinVar aggregate classification (germline): Uncertain significance (1 of 4 stars; one submission).

Submission:

Labcorp Genetics (formerly Invitae), Labcorp
Classification: Uncertain significance. Last evaluated: 2025-10-25. Review status: criteria provided, single submitter. Criteria: Invitae Variant Classification Sherloc (09022015). Collection method: clinical testing. Allele origin: germline.
Comment: This sequence change falls in intron 5 of the GFAP gene. It does not directly change the encoded amino acid sequence of the GFAP protein. This variant is present in population databases (no rsID available, gnomAD 0.009%). This variant has not been reported in the literature in individuals affected with GFAP-related conditions. ClinVar contains an entry for this variant (Variation ID: 2884518). Algorithms developed to predict the effect of sequence changes on RNA splicing suggest that this variant may disrupt the consensus splice site. In summary, the available evidence is currently insufficient to determine the role of this variant in disease. Therefore, it has been classified as a Variant of Uncertain Significance.

NM_002055.5(GFAP):c.907-6C>G

Gene: GFAP (glial fibrillary acidic protein; minus strand). Cytogenetic location: 17q21.31.
Variant type: single nucleotide variant.
Coding change: c.907-6C>G on transcript NM_002055.5 (MANE Select); 6 bases into the intron before coding-DNA position 907, C replaced by G.
Molecular consequence: intron variant.
Genome position (GRCh38, 1-based): chr17:44,911,462, G>C on the plus strand (C>G on the coding strand, the complement: GFAP is on the minus strand). VCF-style: chr17-44911462-G-C. GRCh37 (hg19) VCF-style: chr17-42988830-G-C.
Other names: c.907-6C>G (NM_001363846.2, NM_001131019.3, NM_001242376.3).
Identifiers: ClinVar variation 2884518 (VCV002884518.3), dbSNP rs758746145, ClinGen allele CA626157155.